The following is an entry in ClinVar:

NM_004766.3(COPB2):c.2498_2499del (p.Arg833fs)

Gene: COPB2 (coat protein complex I subunit beta 2; minus strand). Cytogenetic location: 3q23.
Variant type: Microsatellite.
Coding change: c.2498_2499del on transcript NM_004766.3 (MANE Select); coding-DNA positions 2498 to 2499, 2 bases deleted (GA; older notation c.2498_2499delGA).
Protein change: p.Arg833fs; shifts the reading frame from arginine 833.
Molecular consequence: frameshift variant. On other transcripts: non-coding transcript variant (1).
Genome position (GRCh38, 1-based): chr3:139,358,798-139,358,799, TC deleted on the plus strand (GA on the coding strand, the reverse complement: COPB2 is on the minus strand); deleting any 2 consecutive bases within chr3:139,358,798-139,358,804 gives the same sequence; the c. name uses the placement nearest the transcript's 3' end. VCF-style (leftmost placement, unchanged base first): chr3-139358797-TTC-T. GRCh37 (hg19) VCF-style: chr3-139077639-TTC-T.
Other names: c.2411_2412del, p.Arg804fs (NM_001410834.1); short protein forms R804fs, R833fs.
Identifiers: ClinVar variation 4886537 (VCV004886537.2).

ClinVar aggregate classification (germline): Likely pathogenic (1 of 4 stars; one submission).

Submission:

Dasa
Classification: Likely pathogenic. Last evaluated: 2025-11-11. Review status: criteria provided, single submitter. Criteria: DASA Assertion Criteria. Collection method: clinical testing. Allele origin: germline.
Comment: NM_004766.3(COPB2):c.2498_2499del (p.Arg833Lysfs*21) is a frameshift variant in COPB2 predicted to alter the reading frame and introduce a premature termination codon and is predicted to result in an absent or altered protein product. Loss of function is an established disease mechanism for COPB2-associated disorders. Also, this variant is absent from population databases. Based on the currently available evidence, this variant is classified as likely pathogenic.